The following is an entry in ClinVar:

ClinVar aggregate classification (germline): Likely benign (0 of 4 stars; one submission).

Conditions:
CTU2-related disorder. Also called: CTU2-related condition.

Allele frequency attached by ClinVar (database versions not stated): ESP Exome Variant Server 0.00008.
gnomAD v4.1: 29 of 1,610,228 alleles (0.0018%); highest among the groups gnomAD compares: South Asian, 0.0022%; no homozygotes.

Submission:

PreventionGenetics, part of Exact Sciences
Classification: Likely benign for CTU2-related condition. Last evaluated: 2019-03-07. Review status: no assertion criteria provided. Collection method: clinical testing. Allele origin: germline.
Comment: This variant is classified as likely benign based on ACMG/AMP sequence variant interpretation guidelines (Richards et al. 2015 PMID: 25741868, with internal and published modifications).

NM_001012759.3(CTU2):c.393C>T (p.Ala131=)

Gene: CTU2 (cytosolic thiouridylase subunit 2; plus strand). Cytogenetic location: 16q24.3.
Variant type: single nucleotide variant.
Coding change: c.393C>T on transcript NM_001012759.3 (MANE Select); coding-DNA position 393, C replaced by T.
Protein change: p.Ala131=; no amino-acid change (alanine 131 retained).
Molecular consequence: synonymous variant.
Genome position (GRCh38, 1-based): chr16:88,712,323, C>T. VCF-style: chr16-88712323-C-T. GRCh37 (hg19) VCF-style: chr16-88778731-C-T.
Other names: c.393C>T, p.Ala131= (NM_001012762.3); c.606C>T, p.Ala202= (NM_001318507.2); c.132C>T, p.Ala44= (NM_001318513.2).
Identifiers: ClinVar variation 3047297 (VCV003047297.2), dbSNP rs141146913, ClinGen allele CA8230291.